The following is an entry in ClinVar:

ClinVar aggregate classification (germline): Uncertain significance (1 of 4 stars; one submission).

Conditions:
Inborn genetic diseases. Identifiers: MedGen C0950123, MeSH D030342.

gnomAD v4.1: 1 of 1,613,900 alleles (0.000062%); highest among the groups gnomAD compares: Admixed American, 0.0017%; no homozygotes.

Submission:

Ambry Genetics
Classification: Uncertain significance for Inborn genetic diseases. Last evaluated: 2026-06-14. Review status: criteria provided, single submitter. Criteria: Ambry Variant Classification Scheme 2023. Collection method: clinical testing. Allele origin: germline.
Comment: The p.C1397R variant (also known as c.4189T>C), located in coding exon 1 of the SAMD9 gene, results from a T to C substitution at nucleotide position 4189. The cysteine at codon 1397 is replaced by arginine, an amino acid with highly dissimilar properties. This amino acid position is conserved. In addition, the in silico prediction for this alteration is inconclusive. Based on the available evidence, the clinical significance of this variant remains unclear.

NM_017654.4(SAMD9):c.4189T>C (p.Cys1397Arg)

Gene: SAMD9 (sterile alpha motif domain containing 9; minus strand). Cytogenetic location: 7q21.2.
Variant type: single nucleotide variant.
Coding change: c.4189T>C on transcript NM_017654.4 (MANE Select); coding-DNA position 4189, T replaced by C.
Protein change: p.Cys1397Arg; replaces cysteine 1397 with arginine.
Molecular consequence: missense variant.
Genome position (GRCh38, 1-based): chr7:93,101,909, A>G on the plus strand (T>C on the coding strand, the complement: SAMD9 is on the minus strand). VCF-style: chr7-93101909-A-G. GRCh37 (hg19) VCF-style: chr7-92731222-A-G.
Other names: c.4189T>C, p.Cys1397Arg (NM_001193307.2); short protein forms C1397R.
Identifiers: ClinVar variation 4863896 (VCV004863896.1).
Genomic context (GRCh38, chr7:93,101,909, plus strand): 5'-CTCGAAGCTGATCTTTTAGTTTTTCAACTGGCTTTACTAATCTGGAGGTAGGTTGGATAC[A>G]GGAGAGAATAATGTTGGCCAAGATGAAATTTAGCTTTTCTTTTGACTGGATTTTGACAGT-3'
Protein context (NP_060124.2, residues 1387-1407): NFILANIILS[Cys1397Arg]IQPTSRLVKP